The following is an entry in ClinVar:

NM_024640.4(YRDC):c.301G>C (p.Ala101Pro)

Genes: C1orf122 (chromosome 1 open reading frame 122; plus strand), YRDC (yrdC N6-threonylcarbamoyltransferase domain containing; minus strand), LOC129930167 (ATAC-STARR-seq lymphoblastoid silent region 680; plus strand). Cytogenetic location: 1p34.3.
Variant type: single nucleotide variant.
Coding change: c.301G>C on transcript NM_024640.4 (MANE Select); coding-DNA position 301, G replaced by C.
Protein change: p.Ala101Pro; replaces alanine 101 with proline.
Molecular consequence: missense variant. On other transcripts: 5 prime UTR variant (2).
Genome position (GRCh38, 1-based): chr1:37,807,880, C>G on the plus strand (G>C on the coding strand, the complement: YRDC is on the minus strand). VCF-style: chr1-37807880-C-G. GRCh37 (hg19) VCF-style: chr1-38273552-C-G.
Other names: c.301G>C (NM_024640.3); c.-581C>G (NM_001142726.2); c.-525C>G (NM_198446.3); short protein forms A101P.
Identifiers: ClinVar variation 1974518 (VCV001974518.6), dbSNP rs1248910043, ClinGen allele CA339473843.

ClinVar aggregate classification (germline): Uncertain significance. Review status: criteria provided, multiple submitters, no conflicts (2 of 4 stars). 2 submissions from 2 submitters: Uncertain significance (2). Last evaluated 2025-08-14.

Allele frequency attached by ClinVar (database versions not stated): gnomAD exomes below 0.00001; TOPMed 0.00004; gnomAD 0.00005.
gnomAD v4.1: 18 of 1,458,878 alleles (0.0012%); highest among the groups gnomAD compares: African/African-American, 0.013%; no homozygotes.

Submissions (2):

Ambry Genetics
Classification: Uncertain significance. Last evaluated: 2025-08-14. Review status: criteria provided, single submitter. Criteria: Ambry Variant Classification Scheme 2023. Collection method: clinical testing. Allele origin: germline.

Labcorp Genetics (formerly Invitae), Labcorp
Classification: Uncertain significance. Last evaluated: 2022-06-22. Review status: criteria provided, single submitter. Criteria: Invitae Variant Classification Sherloc (09022015). Collection method: clinical testing. Allele origin: germline.
Comment: This variant is present in population databases (no rsID available, gnomAD 0.03%). This variant has not been reported in the literature in individuals affected with YRDC-related conditions. This sequence change replaces alanine, which is neutral and non-polar, with proline, which is neutral and non-polar, at codon 101 of the YRDC protein (p.Ala101Pro). Algorithms developed to predict the effect of missense changes on protein structure and function (SIFT, PolyPhen-2, Align-GVGD) all suggest that this variant is likely to be tolerated. In summary, the available evidence is currently insufficient to determine the role of this variant in disease. Therefore, it has been classified as a Variant of Uncertain Significance.